The following is an entry in ClinVar:

ClinVar aggregate classification (germline): Uncertain significance. Review status: criteria provided, multiple submitters, no conflicts (2 of 4 stars). 2 submissions from 2 submitters: Uncertain significance (2). Last evaluated 2023-08-04.

Conditions:
Kleefstra syndrome 1 (KLEFS1). Identifiers: Orphanet 261494, MedGen C0795833, MONDO:0027407, OMIM 610253.

gnomAD v4.1: 1 of 1,614,158 alleles (0.000062%); highest among the groups gnomAD compares: Non-Finnish European, 0.000085%; no homozygotes.

Submissions (2):

Labcorp Genetics (formerly Invitae), Labcorp
Classification: Uncertain significance for Kleefstra syndrome 1. Last evaluated: 2023-08-04. Review status: criteria provided, single submitter. Criteria: Invitae Variant Classification Sherloc (09022015). Collection method: clinical testing. Allele origin: germline.
Comment: In summary, the available evidence is currently insufficient to determine the role of this variant in disease. Therefore, it has been classified as a Variant of Uncertain Significance. Advanced modeling of protein sequence and biophysical properties (such as structural, functional, and spatial information, amino acid conservation, physicochemical variation, residue mobility, and thermodynamic stability) performed at Invitae indicates that this missense variant is not expected to disrupt EHMT1 protein function. ClinVar contains an entry for this variant (Variation ID: 1434523). This variant has not been reported in the literature in individuals affected with EHMT1-related conditions. This variant is not present in population databases (gnomAD no frequency). This sequence change replaces valine, which is neutral and non-polar, with leucine, which is neutral and non-polar, at codon 886 of the EHMT1 protein (p.Val886Leu).

GeneDx
Classification: Uncertain significance. Last evaluated: 2022-01-12. Review status: criteria provided, single submitter. Criteria: GeneDx Variant Classification Process June 2021. Collection method: clinical testing. Allele origin: germline. Affected: yes.
Comment: Not observed at significant frequency in large population cohorts (gnomAD); In silico analysis supports that this missense variant does not alter protein structure/function; Has not been previously published as pathogenic or benign to our knowledge

NM_024757.5(EHMT1):c.2656G>T (p.Val886Leu)

Gene: EHMT1 (euchromatic histone lysine methyltransferase 1; plus strand). Cytogenetic location: 9q34.3.
Variant type: single nucleotide variant.
Coding change: c.2656G>T on transcript NM_024757.5 (MANE Select); coding-DNA position 2656, G replaced by T.
Protein change: p.Val886Leu; replaces valine 886 with leucine.
Molecular consequence: missense variant.
Genome position (GRCh38, 1-based): chr9:137,800,928, G>T. VCF-style: chr9-137800928-G-T. GRCh37 (hg19) VCF-style: chr9-140695380-G-T.
Other names: c.2635G>T, p.Val879Leu (NM_001354263.2); short protein forms V879L, V886L.
Identifiers: ClinVar variation 1434523 (VCV001434523.7), dbSNP rs146269774, ClinGen allele CA375788882.